The following is an entry in ClinVar:

ClinVar aggregate classification (germline): Uncertain significance (1 of 4 stars; one submission).

gnomAD v4.1: 37 of 1,614,174 alleles (0.0023%); highest among the groups gnomAD compares: South Asian, 0.037%; 1 homozygote.

Submission:

CeGaT Center for Human Genetics Tuebingen
Classification: Uncertain significance. Last evaluated: 2025-05-01. Review status: criteria provided, single submitter. Criteria: CeGaT Center For Human Genetics Tuebingen Variant Classification Criteria Version 2. Collection method: clinical testing. Allele origin: germline. Affected: yes. Observed: 1 variant allele.
Comment: TRRAP: PP2

NM_001375524.1(TRRAP):c.8453C>T (p.Pro2818Leu)

Gene: TRRAP (transformation/transcription domain associated protein; plus strand). Cytogenetic location: 7q22.1.
Variant type: single nucleotide variant.
Coding change: c.8453C>T on transcript NM_001375524.1 (MANE Select); coding-DNA position 8453, C replaced by T.
Protein change: p.Pro2818Leu; replaces proline 2818 with leucine.
Molecular consequence: missense variant.
Genome position (GRCh38, 1-based): chr7:98,978,278, C>T. VCF-style: chr7-98978278-C-T. GRCh37 (hg19) VCF-style: chr7-98575901-C-T.
Other names: c.8432C>T, p.Pro2811Leu (NM_001244580.2); c.8378C>T, p.Pro2793Leu (NM_003496.4); short protein forms P2793L, P2811L, P2818L.
Identifiers: ClinVar variation 3905403 (VCV003905403.10).
Genomic context (GRCh38, chr7:98,978,278, plus strand): 5'-AATCCTATGAAAAGGCAATGGATAAAGCCAAAAAAGAACATGAGAGGAGTAACGCCTCCC[C>T]TGCTATTTTCCCTGAATACCAGCTCTGGGAAGACCACTGGATTCGGTAAGCCAAACACAG-3'
Protein context (NP_001362453.1, residues 2808-2828): KKEHERSNAS[Pro2818Leu]AIFPEYQLWE